The following is an entry in ClinVar:

NM_032043.3(BRIP1):c.2827G>T (p.Val943Phe)

Gene: BRIP1 (BRCA1 interacting DNA helicase 1; minus strand). Cytogenetic location: 17q23.2.
Variant type: single nucleotide variant.
Coding change: c.2827G>T on transcript NM_032043.3 (MANE Select); coding-DNA position 2827, G replaced by T.
Protein change: p.Val943Phe; replaces valine 943 with phenylalanine.
Molecular consequence: missense variant.
Genome position (GRCh38, 1-based): chr17:61,685,914, C>A on the plus strand (G>T on the coding strand, the complement: BRIP1 is on the minus strand). VCF-style: chr17-61685914-C-A. GRCh37 (hg19) VCF-style: chr17-59763275-C-A.
Other names: short protein forms V943F.
Identifiers: ClinVar variation 4216283 (VCV004216283.1).
Genomic context (GRCh38, chr17:61,685,914, plus strand): 5'-TAATGCTACTTGGTAGAGGTGAATTTTTGGTAATAATTTTAGGACACTGTAGTTCCTGGA[C>A]ACATATCTTTGCTTCATCTTCCACAAAATTTTCTGGTGATAGATGACTTGCTGCTTCCAG-3'
Protein context (NP_114432.2, residues 933-953): NFVEDEAKIC[Val943Phe]QELQCPKIIT

ClinVar aggregate classification (germline): Uncertain significance (1 of 4 stars; one submission).

Conditions:
Hereditary cancer-predisposing syndrome. Also called: Hereditary Cancer Syndrome; Hereditary neoplastic syndrome; Neoplastic Syndromes, Hereditary; Tumor predisposition. Identifiers: Orphanet 140162, MedGen C0027672, MeSH D009386, MONDO:0015356.

Submission:

Ambry Genetics
Classification: Uncertain significance for Hereditary cancer-predisposing syndrome. Last evaluated: 2025-08-31. Review status: criteria provided, single submitter. Criteria: Ambry Variant Classification Scheme 2023. Collection method: clinical testing. Allele origin: germline.
Comment: The p.V943F variant (also known as c.2827G>T), located in coding exon 18 of the BRIP1 gene, results from a G to T substitution at nucleotide position 2827. The valine at codon 943 is replaced by phenylalanine, an amino acid with highly similar properties. This amino acid position is conserved. In addition, this alteration is predicted to be tolerated by in silico analysis. Based on the available evidence, the clinical significance of this variant remains unclear.